The following is an entry in ClinVar:

ClinVar aggregate classification (germline): Conflicting classifications of pathogenicity. Review status: criteria provided, conflicting classifications (1 of 4 stars). 3 submissions from 3 submitters: Likely pathogenic (1); Uncertain significance (2). Last evaluated 2023-07-18.

Conditions:
Hereditary spastic paraplegia 10 (SPG10). Also called: SPASTIC PARAPLEGIA 10, AUTOSOMAL DOMINANT; SPASTIC PARAPLEGIA 10 WITH OR WITHOUT PERIPHERAL NEUROPATHY; SPASTIC PARAPLEGIA 10 WITH PERIPHERAL NEUROPATHY. Identifiers: Orphanet 100991, MedGen C1858712, MONDO:0011408, OMIM 604187.
Spastic paraplegia. Identifiers: MedGen C0037772, HP:0001258.

Submissions (3):

Kariminejad - Najmabadi Pathology & Genetics Center
Classification: Uncertain significance. Last evaluated: 2023-07-18. Review status: criteria provided, single submitter. Criteria: ACMG Guidelines, 2015. Collection method: clinical testing. Allele origin: germline. Inheritance: Autosomal dominant inheritance. Affected: yes.
Comment: PM1-PM2-PM4

Labcorp Genetics (formerly Invitae), Labcorp
Classification: Uncertain significance for Spastic paraplegia. Last evaluated: 2018-09-17. Review status: criteria provided, single submitter. Criteria: Invitae Variant Classification Sherloc (09022015). Collection method: clinical testing. Allele origin: germline.
Comment: In summary, the available evidence is currently insufficient to determine the role of this variant in disease. Therefore, it has been classified as a Variant of Uncertain Significance. Experimental studies and prediction algorithms are not available for this variant, and the functional significance of the deleted amino acid is currently unknown. This variant has been observed in a family affected with hereditary spastic paraplegia (PMID: 18245137). This variant is not present in population databases (ExAC no frequency). This variant, c.768_770delCAA, results in the deletion of 1 amino acid of the KIF5A protein (p.Asn256del), but otherwise preserves the integrity of the reading frame.

Juno Genomics, Hangzhou Juno Genomics, Inc
Classification: Likely pathogenic for Hereditary spastic paraplegia 10. Review status: criteria provided, single submitter. Criteria: ACMG Guidelines, 2015. Collection method: clinical testing. Allele origin: germline. Affected: yes.
Comment: Absent from controls (or at extremely low frequency if recessive) in Genome Aggregation Database.;Protein length changes due to in-frame deletions/insertions in a non-repeat region or stop-loss variants.;The prevalence of the variant in affected individuals is significantly increased compared to the prevalence in controls.;Located in a mutational hot spot and/or critical and well-established functional domain without benign variation.

Literature cited by the submitters: PubMed 18245137 (cited by Labcorp Genetics (formerly Invitae), Labcorp).

NM_004984.4(KIF5A):c.765CAA[1] (p.Asn256del)

Gene: KIF5A (kinesin family member 5A; plus strand). Cytogenetic location: 12q13.3.
Variant type: Microsatellite.
Coding change: c.765CAA[1] on transcript NM_004984.4 (MANE Select); one copy of the 3-base unit CAA starting at c.765; the reference has two copies in a row; one copy, 3 bases deleted; also written c.768_770del.
Protein change: p.Asn256del; deletes asparagine 256.
Molecular consequence: inframe deletion.
Genome position (GRCh38, 1-based): chr12:57,569,016-57,569,018, CAA deleted; deleting any 3 consecutive bases within chr12:57,569,013-57,569,018 gives the same sequence; the position shown is the placement nearest the transcript's 3' end. VCF-style (leftmost placement, unchanged base first): chr12-57569012-TCAA-T. GRCh37 (hg19) VCF-style: chr12-57962795-TCAA-T.
Other names: c.498CAA[1], p.Asn167del (NM_001354705.2); c.768_770delCAA (NM_004984.4); c.768_770del (NM_004984.4); short protein forms N256del, N167del.
Identifiers: ClinVar variation 581778 (VCV000581778.11), dbSNP rs1565698514, ClinGen allele CA891843503.
Genomic context (GRCh38, chr12:57,569,012, plus strand): 5'-TGCCCTGGTAGGTCAGCAAGACTGGAGCAGAGGGAGCCGTGCTGGACGAGGCAAAGAATA[TCAA>T]CAAGTCACTGTCAGCTCTGGGCAATGTGATCTCCGCACTGGCTGAGGGCACTGTGAGTGA-3'